The following is an entry in ClinVar:

ClinVar aggregate classification (germline): Uncertain significance. Review status: criteria provided, multiple submitters, no conflicts (2 of 4 stars). 2 submissions from 2 submitters: Uncertain significance (2). Last evaluated 2024-09-04.

Conditions:
Fanconi anemia (FA). Also called: Fanconi's anemia. Identifiers: Orphanet 84, MedGen C0015625, MeSH D005199, MONDO:0019391.

Allele frequency attached by ClinVar (database versions not stated): TOPMed below 0.00001; ExAC 0.00001; gnomAD exomes 0.00001.
gnomAD v4.1: 4 of 1,611,918 alleles (0.00025%); highest among the groups gnomAD compares: Admixed American, 0.0067%; no homozygotes.

Submissions (2):

Labcorp Genetics (formerly Invitae), Labcorp
Classification: Uncertain significance for Fanconi anemia. Last evaluated: 2024-09-04. Review status: criteria provided, single submitter. Criteria: Invitae Variant Classification Sherloc (09022015). Collection method: clinical testing. Allele origin: germline.
Comment: This sequence change replaces threonine, which is neutral and polar, with alanine, which is neutral and non-polar, at codon 1600 of the FANCM protein (p.Thr1600Ala). This variant is present in population databases (rs779658679, gnomAD 0.006%). This variant has not been reported in the literature in individuals affected with FANCM-related conditions. ClinVar contains an entry for this variant (Variation ID: 845188). An algorithm developed to predict the effect of missense changes on protein structure and function (PolyPhen-2) suggests that this variant is likely to be tolerated. In summary, the available evidence is currently insufficient to determine the role of this variant in disease. Therefore, it has been classified as a Variant of Uncertain Significance.

GeneDx
Classification: Uncertain significance. Last evaluated: 2022-12-20. Review status: criteria provided, single submitter. Criteria: GeneDx Variant Classification Process June 2021. Collection method: clinical testing. Allele origin: germline. Affected: yes.
Comment: Not observed at significant frequency in large population cohorts (gnomAD); In silico analysis supports that this missense variant does not alter protein structure/function; Has not been previously published as pathogenic or benign to our knowledge

NM_020937.4(FANCM):c.4798A>G (p.Thr1600Ala)

Gene: FANCM (FA complementation group M; plus strand). Cytogenetic location: 14q21.2.
Variant type: single nucleotide variant.
Coding change: c.4798A>G on transcript NM_020937.4 (MANE Select); coding-DNA position 4798, A replaced by G.
Protein change: p.Thr1600Ala; replaces threonine 1600 with alanine.
Molecular consequence: missense variant.
Genome position (GRCh38, 1-based): chr14:45,188,820, A>G. VCF-style: chr14-45188820-A-G. GRCh37 (hg19) VCF-style: chr14-45658023-A-G.
Other names: c.4720A>G, p.Thr1574Ala (NM_001308133.2); short protein forms T1574A, T1600A.
Identifiers: ClinVar variation 845188 (VCV000845188.9), dbSNP rs779658679, ClinGen allele CA7169861.
Genomic context (GRCh38, chr14:45,188,820, plus strand): 5'-TGTCTGAAATAAATATAAAACATTCTTGTGTTTTTATTGTAGATTCCTGAACAAGATGAA[A>G]CCTATTTAGAGGATAGTTTTTGTGTTGATGAAGAGGAGTCTTGCAAAGGCCAATCAAGTG-3'
Protein context (NP_065988.1, residues 1590-1610): IFSQIPEQDE[Thr1600Ala]YLEDSFCVDE